The following is an entry in ClinVar:

NM_001080517.3(SETD5):c.1609del (p.Glu537fs)

Gene: SETD5 (SET domain containing 5; plus strand). Cytogenetic location: 3p25.3.
Variant type: Deletion.
Coding change: c.1609del on transcript NM_001080517.3 (MANE Select); coding-DNA position 1609, one base deleted (G; older notation c.1609delG).
Protein change: p.Glu537fs; shifts the reading frame from glutamic acid 537.
Molecular consequence: frameshift variant.
Genome position (GRCh38, 1-based): chr3:9,447,134, G deleted; the last of 2 consecutive G bases (chr3:9,447,133-9,447,134); deleting either gives the same sequence. VCF-style (leftmost placement, unchanged base first): chr3-9447132-TG-T. GRCh37 (hg19) VCF-style: chr3-9488816-TG-T.
Other names: c.1315del, p.Glu439fs (NM_001292043.2, NM_001349451.2); short protein forms E439fs, E537fs.
Identifiers: ClinVar variation 2022616 (VCV002022616.4), dbSNP rs2472936713, ClinGen allele CA2580070665.
Genomic context (GRCh38, chr3:9,447,132, plus strand): 5'-AAGCCATCATGCATGCTTTTGAAAACTTAGAGAAAAGAAAGAAGCGGCGGGATCAGCCCT[TG>T]GAACAGAGCAACTCTGATGTAGAGATTACTACAACCACCTCAGAGACTCCTGTTGGTGAA-3'

ClinVar aggregate classification (germline): Pathogenic (1 of 4 stars; one submission).

Submission:

Labcorp Genetics (formerly Invitae), Labcorp
Classification: Pathogenic. Last evaluated: 2024-10-17. Review status: criteria provided, single submitter. Criteria: Invitae Variant Classification Sherloc (09022015). Collection method: clinical testing. Allele origin: germline.
Comment: This sequence change creates a premature translational stop signal (p.Glu537Asnfs*7) in the SETD5 gene. It is expected to result in an absent or disrupted protein product. Loss-of-function variants in SETD5 are known to be pathogenic (PMID: 24680889). This variant is not present in population databases (gnomAD no frequency). This variant has not been reported in the literature in individuals affected with SETD5-related conditions. ClinVar contains an entry for this variant (Variation ID: 2022616). Algorithms developed to predict the effect of sequence changes on RNA splicing suggest that this variant may disrupt the consensus splice site. For these reasons, this variant has been classified as Pathogenic.

Literature cited by the submitters: PubMed 24680889.